The following is an entry in ClinVar:

ClinVar aggregate classification (germline): Uncertain significance. Review status: criteria provided, multiple submitters, no conflicts (2 of 4 stars). 2 submissions from 2 submitters: Uncertain significance (2). Last evaluated 2025-07-14.

Conditions:
Birt-Hogg-Dube syndrome. Also called: Birt Hogg Dubé syndrome. Identifiers: Orphanet 122, MedGen C0346010, MONDO:0800444.
Hereditary cancer-predisposing syndrome. Also called: Tumor predisposition; Hereditary Cancer Syndrome; Neoplastic Syndromes, Hereditary; Hereditary neoplastic syndrome. Identifiers: Orphanet 140162, MedGen C0027672, MeSH D009386, MONDO:0015356.

Submissions (2):

Ambry Genetics
Classification: Uncertain significance for Hereditary cancer-predisposing syndrome. Last evaluated: 2025-07-14. Review status: criteria provided, single submitter. Criteria: Ambry Variant Classification Scheme 2023. Collection method: clinical testing. Allele origin: germline.
Comment: The p.A445G variant (also known as c.1334C>G), located in coding exon 9 of the FLCN gene, results from a C to G substitution at nucleotide position 1334. The alanine at codon 445 is replaced by glycine, an amino acid with similar properties. This amino acid position is conserved. In addition, this alteration is predicted to be tolerated by in silico analysis. Based on the available evidence, the clinical significance of this variant remains unclear.

Labcorp Genetics (formerly Invitae), Labcorp
Classification: Uncertain significance for Birt-Hogg-Dube syndrome. Last evaluated: 2022-03-28. Review status: criteria provided, single submitter. Criteria: Invitae Variant Classification Sherloc (09022015). Collection method: clinical testing. Allele origin: germline.
Comment: In summary, the available evidence is currently insufficient to determine the role of this variant in disease. Therefore, it has been classified as a Variant of Uncertain Significance. Algorithms developed to predict the effect of missense changes on protein structure and function (SIFT, PolyPhen-2, Align-GVGD) all suggest that this variant is likely to be tolerated. This variant has not been reported in the literature in individuals affected with FLCN-related conditions. This variant is not present in population databases (gnomAD no frequency). This sequence change replaces alanine, which is neutral and non-polar, with glycine, which is neutral and non-polar, at codon 445 of the FLCN protein (p.Ala445Gly).

NM_144997.7(FLCN):c.1334C>G (p.Ala445Gly)

Gene: FLCN (folliculin; minus strand). Cytogenetic location: 17p11.2.
Variant type: single nucleotide variant.
Coding change: c.1334C>G on transcript NM_144997.7 (MANE Select); coding-DNA position 1334, C replaced by G.
Protein change: p.Ala445Gly; replaces alanine 445 with glycine.
Molecular consequence: missense variant.
Genome position (GRCh38, 1-based): chr17:17,215,283, G>C on the plus strand (C>G on the coding strand, the complement: FLCN is on the minus strand). VCF-style: chr17-17215283-G-C. GRCh37 (hg19) VCF-style: chr17-17118597-G-C.
Other names: c.1388C>G, p.Ala463Gly (NM_001353229.2); c.1334C>G, p.Ala445Gly (NM_001353230.2, NM_001353231.2); short protein forms A463G, A445G.
Identifiers: ClinVar variation 2118976 (VCV002118976.5), dbSNP rs879064748, ClinGen allele CA398531440.
Genomic context (GRCh38, chr17:17,215,283, plus strand): 5'-AACTCGTACTTGCTGAGAGACTGGTCATCCTCACACCCCACAGGGTGGAGGGTGGAACGT[G>C]CGGCTGCGTGGACCTCCACGATGACAGCAAACTCTGTAACAACACAAGGCCCGTGGCTCC-3'
Protein context (NP_659434.2, residues 435-455): FAVIVEVHAA[Ala445Gly]RSTLHPVGCE